The following is an entry in ClinVar:

NM_000760.4(CSF3R):c.642_650delinsTTGATCCCATGGATGTTGGTGTCTTGATCCCATGGATGTTG (p.Pro215_Leu217delinsTer)

Gene: CSF3R (colony stimulating factor 3 receptor; minus strand). Cytogenetic location: 1p34.3.
Variant type: Indel.
Coding change: c.642_650delinsTTGATCCCATGGATGTTGGTGTCTTGATCCCATGGATGTTG on transcript NM_000760.4 (MANE Select); coding-DNA positions 642 to 650, the reference bases replaced by an inserted sequence.
Protein change: p.Pro215_Leu217delinsTer.
Molecular consequence: nonsense.
Genome position (GRCh38, 1-based): chr1:36,473,458-36,473,466, 9 bases replaced. GRCh37 (hg19): chr1:36,939,059-36,939,067.
Other names: c.642_650delinsTTGATCCCATGGATGTTGGTGTCTTGATCCCATGGATGTTG, p.Pro215_Leu217delinsTer (NM_156039.3, NM_172313.3).
Identifiers: ClinVar variation 1372222 (VCV001372222.5), dbSNP rs2124127693, ClinGen allele CA2573132248.

ClinVar aggregate classification (germline): Pathogenic (1 of 4 stars; one submission).

Conditions:
Autosomal recessive severe congenital neutropenia due to CSF3R deficiency. Also called: Neutropenia, severe congenital, 7, autosomal recessive. Identifiers: Orphanet 420702, MedGen C4310764, MONDO:0014865, OMIM 617014.

Submission:

Labcorp Genetics (formerly Invitae), Labcorp
Classification: Pathogenic for Autosomal recessive severe congenital neutropenia due to CSF3R deficiency. Last evaluated: 2024-09-29. Review status: criteria provided, single submitter. Criteria: Invitae Variant Classification Sherloc (09022015). Collection method: clinical testing. Allele origin: germline.
Comment: This sequence change creates a premature translational stop signal (p.Pro215*) in the CSF3R gene. It is expected to result in an absent or disrupted protein product. Loss-of-function variants in CSF3R are known to be pathogenic (PMID: 24753537, 26324699). This variant is not present in population databases (gnomAD no frequency). This variant has not been reported in the literature in individuals affected with CSF3R-related conditions. For these reasons, this variant has been classified as Pathogenic.

Literature cited by the submitters: PubMed 24753537; PubMed 26324699.